The following is an entry in ClinVar:

NM_019892.6(INPP5E):c.1564G>C (p.Gly522Arg)

Gene: INPP5E (inositol polyphosphate-5-phosphatase E; minus strand). Cytogenetic location: 9q34.3.
Variant type: single nucleotide variant.
Coding change: c.1564G>C on transcript NM_019892.6 (MANE Select); coding-DNA position 1564, G replaced by C.
Protein change: p.Gly522Arg; replaces glycine 522 with arginine.
Molecular consequence: missense variant.
Genome position (GRCh38, 1-based): chr9:136,431,103, C>G on the plus strand (G>C on the coding strand, the complement: INPP5E is on the minus strand). VCF-style: chr9-136431103-C-G. GRCh37 (hg19) VCF-style: chr9-139325555-C-G.
Other names: c.1561G>C, p.Gly521Arg (NM_001318502.2); short protein forms G521R, G522R.
Identifiers: ClinVar variation 1476623 (VCV001476623.8), dbSNP rs2131605763, ClinGen allele CA375561876.

ClinVar aggregate classification (germline): Likely pathogenic (1 of 4 stars; one submission).

Conditions:
Joubert syndrome. Also called: CEREBELLOPARENCHYMAL DISORDER IV; JOUBERT-BOLTSHAUSER SYNDROME; Familial aplasia of the vermis. Identifiers: Orphanet 475, MedGen C5979921, MONDO:0018772.

Submission:

Labcorp Genetics (formerly Invitae), Labcorp
Classification: Likely pathogenic for Joubert syndrome. Last evaluated: 2024-09-06. Review status: criteria provided, single submitter. Criteria: Invitae Variant Classification Sherloc (09022015). Collection method: clinical testing. Allele origin: germline.
Comment: This sequence change replaces glycine, which is neutral and non-polar, with arginine, which is basic and polar, at codon 522 of the INPP5E protein (p.Gly522Arg). This variant is not present in population databases (gnomAD no frequency). This variant has not been reported in the literature in individuals affected with INPP5E-related conditions. ClinVar contains an entry for this variant (Variation ID: 1476623). Invitae Evidence Modeling of protein sequence and biophysical properties (such as structural, functional, and spatial information, amino acid conservation, physicochemical variation, residue mobility, and thermodynamic stability) indicates that this missense variant is expected to disrupt INPP5E protein function with a positive predictive value of 95%. This variant disrupts the p.Gly522 amino acid residue in INPP5E. Other variant(s) that disrupt this residue have been determined to be pathogenic (PMID: 28497568, 29052317). This suggests that this residue is clinically significant, and that variants that disrupt this residue are likely to be disease-causing. In summary, the currently available evidence indicates that the variant is pathogenic, but additional data are needed to prove that conclusively. Therefore, this variant has been classified as Likely Pathogenic.

Literature cited by the submitters: PubMed 28497568; PubMed 29052317.